The following is an entry in ClinVar:

NM_007186.6(CEP250):c.3481A>G (p.Ser1161Gly)

Gene: CEP250 (centrosomal protein 250; plus strand). Cytogenetic location: 20q11.22.
Variant type: single nucleotide variant.
Coding change: c.3481A>G on transcript NM_007186.6 (MANE Select); coding-DNA position 3481, A replaced by G.
Protein change: p.Ser1161Gly; replaces serine 1161 with glycine.
Molecular consequence: missense variant.
Genome position (GRCh38, 1-based): chr20:35,497,893, A>G. VCF-style: chr20-35497893-A-G. GRCh37 (hg19) VCF-style: chr20-34085722-A-G.
Other names: c.1585A>G, p.Ser529Gly (NM_001318219.1); short protein forms S529G, S1161G.
Identifiers: ClinVar variation 2112556 (VCV002112556.4), dbSNP rs1352725423, ClinGen allele CA408744298.

ClinVar aggregate classification (germline): Uncertain significance (1 of 4 stars; one submission).

Allele frequency attached by ClinVar (database versions not stated): gnomAD 0.00001.

Submission:

Labcorp Genetics (formerly Invitae), Labcorp
Classification: Uncertain significance. Last evaluated: 2025-05-05. Review status: criteria provided, single submitter. Criteria: Invitae Variant Classification Sherloc (09022015). Collection method: clinical testing. Allele origin: germline.
Comment: This sequence change replaces serine, which is neutral and polar, with glycine, which is neutral and non-polar, at codon 1161 of the CEP250 protein (p.Ser1161Gly). This variant is present in population databases (no rsID available, gnomAD 0.001%). This variant has not been reported in the literature in individuals affected with CEP250-related conditions. ClinVar contains an entry for this variant (Variation ID: 2112556). An algorithm developed to predict the effect of missense changes on protein structure and function outputs the following: PolyPhen-2: "Benign". The glycine amino acid residue is found in multiple mammalian species, which suggests that this missense change does not adversely affect protein function. In summary, the available evidence is currently insufficient to determine the role of this variant in disease. Therefore, it has been classified as a Variant of Uncertain Significance.